The following is an entry in ClinVar:

NM_152295.5(TARS1):c.1738G>T (p.Gly580Cys)

Gene: TARS1 (threonyl-tRNA synthetase 1; plus strand). Cytogenetic location: 5p13.3.
Variant type: single nucleotide variant.
Coding change: c.1738G>T on transcript NM_152295.5 (MANE Select); coding-DNA position 1738, G replaced by T.
Protein change: p.Gly580Cys; replaces glycine 580 with cysteine.
Molecular consequence: missense variant. On other transcripts: non-coding transcript variant (3).
Genome position (GRCh38, 1-based): chr5:33,462,106, G>T. VCF-style: chr5-33462106-G-T. GRCh37 (hg19) VCF-style: chr5-33462211-G-T.
Other names: c.1738G>T, p.Gly580Cys (NM_001258437.1); c.1837G>T, p.Gly613Cys (NM_001258438.2); c.1702G>T, p.Gly568Cys (NM_003191.1); short protein forms G568C, G580C, G613C.
Identifiers: ClinVar variation 3042324 (VCV003042324.2), dbSNP rs112666038, ClinGen allele CA3223473.

ClinVar aggregate classification (germline): Benign (0 of 4 stars; one submission).

Conditions:
TARS1-related disorder. Also called: TARS1-related condition.

Allele frequency attached by ClinVar (database versions not stated): gnomAD exomes 0.00256; ExAC 0.00809; gnomAD 0.02553; 1000 Genomes Project 0.02716; TOPMed 0.02841; ESP Exome Variant Server 0.02845; 1000 Genomes Project 30x 0.02951.
gnomAD v4.1: 7,781 of 1,611,496 alleles (0.48%); highest among the groups gnomAD compares: African/African-American, 9.2%; 349 homozygotes.

Submission:

PreventionGenetics, part of Exact Sciences
Classification: Benign for TARS1-related condition. Last evaluated: 2019-11-06. Review status: no assertion criteria provided. Collection method: clinical testing. Allele origin: germline.
Comment: This variant is classified as benign based on ACMG/AMP sequence variant interpretation guidelines (Richards et al. 2015 PMID: 25741868, with internal and published modifications).